The following is an entry in ClinVar:

NM_000260.4(MYO7A):c.169A>G (p.Lys57Glu)

Gene: MYO7A (myosin VIIA; plus strand). Cytogenetic location: 11q13.5.
Variant type: single nucleotide variant.
Coding change: c.169A>G on transcript NM_000260.4 (MANE Select); coding-DNA position 169, A replaced by G.
Protein change: p.Lys57Glu; replaces lysine 57 with glutamic acid.
Molecular consequence: missense variant.
Genome position (GRCh38, 1-based): chr11:77,147,834, A>G. VCF-style: chr11-77147834-A-G. GRCh37 (hg19) VCF-style: chr11-76858880-A-G.
Other names: c.169A>G, p.Lys57Glu (NM_001127180.2); c.136A>G, p.Lys46Glu (NM_001369365.1); c.169A>G (NM_000260.3); short protein forms K46E, K57E.
Identifiers: ClinVar variation 4805817 (VCV004805817.2).

ClinVar aggregate classification (germline): Uncertain significance. Review status: criteria provided, multiple submitters, no conflicts (2 of 4 stars). 2 submissions from 2 submitters: Uncertain significance (2). Last evaluated 2026-02-20.

gnomAD v4.1: 1 of 1,610,386 alleles (0.000062%); highest among the groups gnomAD compares: Admixed American, 0.0017%; no homozygotes.

Submissions (2):

GeneDx
Classification: Uncertain significance. Last evaluated: 2026-02-20. Review status: criteria provided, single submitter. Criteria: GeneDx Variant Classification Process June 2021. Collection method: clinical testing. Allele origin: germline.
Comment: Not observed at significant frequency in large population cohorts (gnomAD); In silico analysis suggests that this missense variant does not alter protein structure/function; Has not been previously published as pathogenic or benign to our knowledge

Labcorp Genetics (formerly Invitae), Labcorp
Classification: Uncertain significance. Last evaluated: 2025-05-07. Review status: criteria provided, single submitter. Criteria: Invitae Variant Classification Sherloc (09022015). Collection method: clinical testing. Allele origin: germline.
Comment: This sequence change replaces lysine, which is basic and polar, with glutamic acid, which is acidic and polar, at codon 57 of the MYO7A protein (p.Lys57Glu). This variant is not present in population databases (gnomAD no frequency). This variant has not been reported in the literature in individuals affected with MYO7A-related conditions. Invitae Evidence Modeling of protein sequence and biophysical properties (such as structural, functional, and spatial information, amino acid conservation, physicochemical variation, residue mobility, and thermodynamic stability) indicates that this missense variant is not expected to disrupt MYO7A protein function with a negative predictive value of 95%. In summary, the available evidence is currently insufficient to determine the role of this variant in disease. Therefore, it has been classified as a Variant of Uncertain Significance.